The following is an entry in ClinVar:

ClinVar aggregate classification (germline): Uncertain significance. Review status: criteria provided, multiple submitters, no conflicts (2 of 4 stars). 2 submissions from 2 submitters: Uncertain significance (2). Last evaluated 2025-10-14.

Conditions:
Hereditary cancer-predisposing syndrome. Also called: Neoplastic Syndromes, Hereditary; Tumor predisposition; Hereditary Cancer Syndrome; Hereditary neoplastic syndrome. Identifiers: Orphanet 140162, MedGen C0027672, MeSH D009386, MONDO:0015356.
Familial adenomatous polyposis 1 (FAP1). Also called: FAMILIAL ADENOMATOUS POLYPOSIS 1, ATTENUATED; POLYPOSIS, ADENOMATOUS INTESTINAL. Identifiers: MedGen C2713442, MONDO:0021056, OMIM 175100. Disease mechanism: loss of function.

Allele frequency attached by ClinVar (database versions not stated): gnomAD exomes below 0.00001; TOPMed 0.00001.
gnomAD v4.1: 1 of 1,613,544 alleles (0.000062%); highest among the groups gnomAD compares: African/African-American, 0.0013%; no homozygotes.

Submissions (2):

Ambry Genetics
Classification: Uncertain significance for Hereditary cancer-predisposing syndrome. Last evaluated: 2025-10-14. Review status: criteria provided, single submitter. Criteria: Ambry Variant Classification Scheme 2023. Collection method: clinical testing. Allele origin: germline.
Comment: The p.Q2003E variant (also known as c.6007C>G), located in coding exon 15 of the APC gene, results from a C to G substitution at nucleotide position 6007. The glutamine at codon 2003 is replaced by glutamic acid, an amino acid with highly similar properties. This amino acid position is well conserved in available vertebrate species. In addition, in silico predictors for this gene do not accurately predict pathogenicity. Since supporting evidence is limited at this time, the clinical significance of this alteration remains unclear.

Labcorp Genetics (formerly Invitae), Labcorp
Classification: Uncertain significance for Familial adenomatous polyposis 1. Last evaluated: 2024-01-27. Review status: criteria provided, single submitter. Criteria: Invitae Variant Classification Sherloc (09022015). Collection method: clinical testing. Allele origin: germline.
Comment: This sequence change replaces glutamine, which is neutral and polar, with glutamic acid, which is acidic and polar, at codon 2003 of the APC protein (p.Gln2003Glu). This variant is not present in population databases (gnomAD no frequency). This variant has not been reported in the literature in individuals affected with APC-related conditions. ClinVar contains an entry for this variant (Variation ID: 649014). Advanced modeling of protein sequence and biophysical properties (such as structural, functional, and spatial information, amino acid conservation, physicochemical variation, residue mobility, and thermodynamic stability) performed at Invitae indicates that this missense variant is not expected to disrupt APC protein function with a negative predictive value of 95%. In summary, the available evidence is currently insufficient to determine the role of this variant in disease. Therefore, it has been classified as a Variant of Uncertain Significance.

NM_000038.6(APC):c.6007C>G (p.Gln2003Glu)

Gene: APC (APC regulator of Wnt signaling pathway; plus strand). Cytogenetic location: 5q22.2.
Variant type: single nucleotide variant.
Coding change: c.6007C>G on transcript NM_000038.6 (MANE Select); coding-DNA position 6007, C replaced by G.
Protein change: p.Gln2003Glu; replaces glutamine 2003 with glutamic acid.
Molecular consequence: missense variant.
Genome position (GRCh38, 1-based): chr5:112,841,601, C>G. VCF-style: chr5-112841601-C-G. GRCh37 (hg19) VCF-style: chr5-112177298-C-G.
Other names: c.6007C>G, p.Gln2003Glu (NM_001127510.3, NM_001354895.2); c.5953C>G, p.Gln1985Glu (NM_001127511.3); c.6061C>G, p.Gln2021Glu (NM_001354896.2); c.6037C>G, p.Gln2013Glu (NM_001354897.2); c.5932C>G, p.Gln1978Glu (NM_001354898.2); c.5923C>G, p.Gln1975Glu (NM_001354899.2); c.5884C>G, p.Gln1962Glu (NM_001354900.2); c.5830C>G, p.Gln1944Glu (NM_001354901.2); and 5 more; short protein forms Q1843E, Q1877E, Q1944E, Q1985E, Q1962E, Q1912E, Q2003E, Q2013E.
Identifiers: ClinVar variation 649014 (VCV000649014.13), dbSNP rs1580666638, ClinGen allele CA16034477.